The following is an entry in ClinVar:

NM_017636.4(TRPM4):c.1573T>G (p.Trp525Gly)

Gene: TRPM4 (transient receptor potential cation channel subfamily M member 4; plus strand). Cytogenetic location: 19q13.33.
Variant type: single nucleotide variant.
Coding change: c.1573T>G on transcript NM_017636.4 (MANE Select); coding-DNA position 1573, T replaced by G.
Protein change: p.Trp525Gly; replaces tryptophan 525 with glycine.
Molecular consequence: missense variant. On other transcripts: intron variant (1).
Genome position (GRCh38, 1-based): chr19:49,182,887, T>G. VCF-style: chr19-49182887-T-G. GRCh37 (hg19) VCF-style: chr19-49686144-T-G.
Other names: c.1573T>G, p.Trp525Gly (NM_001195227.2); c.1228T>G, p.Trp410Gly (NM_001321281.2); c.1051T>G, p.Trp351Gly (NM_001321283.2); c.511T>G, p.Trp171Gly (NM_001321285.2); c.-1+20T>G (NM_001321282.2); short protein forms W171G, W525G, W351G, W410G.
Identifiers: ClinVar variation 4844623 (VCV004844623.1).

ClinVar aggregate classification (germline): Uncertain significance (1 of 4 stars; one submission).

Conditions:
Cardiovascular phenotype. Identifiers: MedGen CN230736.

Submission:

Ambry Genetics
Classification: Uncertain significance for Cardiovascular phenotype. Last evaluated: 2026-01-25. Review status: criteria provided, single submitter. Criteria: Ambry Variant Classification Scheme 2023. Collection method: clinical testing. Allele origin: germline.
Comment: The p.W525G variant (also known as c.1573T>G), located in coding exon 11 of the TRPM4 gene, results from a T to G substitution at nucleotide position 1573. The tryptophan at codon 525 is replaced by glycine, an amino acid with highly dissimilar properties. This amino acid position is conserved. In addition, this alteration is predicted to be tolerated by in silico analysis. Based on the available evidence, the clinical significance of this variant remains unclear.